The following is an entry in ClinVar:

ClinVar aggregate classification (germline): Uncertain significance (1 of 4 stars; one submission).

Conditions:
Tuberous sclerosis syndrome (TSC). Also called: Tuberous Sclerosis Complex; Tuberous sclerosis. Identifiers: Orphanet 805, MedGen C0041341, MONDO:0001734.

gnomAD v4.1: 2 of 1,460,626 alleles (0.00014%); highest among the groups gnomAD compares: Non-Finnish European, 0.00019%; no homozygotes.

Submission:

Color Diagnostics, LLC DBA Color Health
Classification: Uncertain significance for Tuberous sclerosis syndrome. Last evaluated: 2025-07-09. Review status: criteria provided, single submitter. Criteria: ACMG Guidelines, 2015. Collection method: clinical testing. Allele origin: germline.
Comment: This variant causes a C to A nucleotide substitution at the -123 position of intron 25 of the TSC2 gene. Splice site prediction tools suggest that this variant may have a significant impact on RNA splicing. To our knowledge, functional studies have not been reported for this variant. This variant has not been reported in individuals affected with TSC2-related disorders in the literature. This variant has not been identified in the general population by the Genome Aggregation Database (gnomAD). The available evidence is insufficient to determine the role of this variant in disease conclusively. Therefore, this variant is classified as a Variant of Uncertain Significance.

NM_000548.5(TSC2):c.2838-123C>A

Gene: TSC2 (TSC complex subunit 2; plus strand). Cytogenetic location: 16p13.3.
Variant type: single nucleotide variant.
Coding change: c.2838-123C>A on transcript NM_000548.5 (MANE Select); 123 bases into the intron before coding-DNA position 2838, C replaced by A.
Molecular consequence: intron variant.
Genome position (GRCh38, 1-based): chr16:2,077,475, C>A. VCF-style: chr16-2077475-C-A. GRCh37 (hg19) VCF-style: chr16-2127476-C-A.
Other names: c.1493+890C>A (NM_001406693.1, NM_001406690.1, NM_001406692.1 and 5 more transcripts); c.2927+890C>A (NM_001406667.1, NM_001406668.1); c.2238-123C>A (NM_001406680.1, NM_001406683.1, NM_001406682.1 and 1 more transcripts); c.2237+890C>A (NM_001406687.1, NM_001406685.1, NM_001318831.2 and 2 more transcripts); c.1494-123C>A (NM_001406689.1); c.1235+890C>A (NM_001406698.1); c.2838-123C>A (NM_001114382.3, NM_001406663.1, NM_001406664.1); c.2837+890C>A (NM_021055.3, NM_001370405.1, NM_001363528.2 and 3 more transcripts); and 8 more.
Identifiers: ClinVar variation 4758596 (VCV004758596.1).